The following is an entry in ClinVar:

ClinVar aggregate classification (germline): Pathogenic. Review status: criteria provided, multiple submitters, no conflicts (2 of 4 stars). 6 submissions from 6 submitters: Pathogenic (6). Last evaluated 2024-10-18.

Conditions:
Eichsfeld type congenital muscular dystrophy (CMYO3). Also called: Rigid spine muscular dystrophy 1; MYOPATHY, SEPN1-RELATED; SELENON-related myopathy; Congenital myopathy 3 with rigid spine. Identifiers: MedGen C0410180, MONDO:0100100, OMIM 602771.

Submissions (6):

Labcorp Genetics (formerly Invitae), Labcorp
Classification: Pathogenic for Eichsfeld type congenital muscular dystrophy. Last evaluated: 2024-10-18. Review status: criteria provided, single submitter. Criteria: Invitae Variant Classification Sherloc (09022015). Collection method: clinical testing. Allele origin: germline.
Comment: This sequence change creates a premature translational stop signal (p.Asp84Glyfs*17) in the SELENON gene. It is expected to result in an absent or disrupted protein product. Loss-of-function variants in SELENON are known to be pathogenic (PMID: 21131290, 21670436). This variant is present in population databases (no rsID available, gnomAD 0.003%). This premature translational stop signal has been observed in individual(s) with clinical features of SELENON-related conditions (PMID: 32796131). ClinVar contains an entry for this variant (Variation ID: 523931). Algorithms developed to predict the effect of sequence changes on RNA splicing suggest that this variant may disrupt the consensus splice site. For these reasons, this variant has been classified as Pathogenic.

Fulgent Genetics
Classification: Pathogenic for Eichsfeld type congenital muscular dystrophy. Last evaluated: 2024-04-19. Review status: criteria provided, single submitter. Criteria: ACMG Guidelines, 2015. Collection method: clinical testing. Allele origin: germline.

Genomic Medicine Center of Excellence, King Faisal Specialist Hospital and Research Centre
Classification: Pathogenic for Eichsfeld type congenital muscular dystrophy. Last evaluated: 2024-03-29. Review status: criteria provided, single submitter. Criteria: ACMG Guidelines, 2015. Collection method: clinical testing. Allele origin: germline.

Broad Center for Mendelian Genomics, Broad Institute of MIT and Harvard
Classification: Pathogenic. Last evaluated: 2023-01-24. Review status: criteria provided, single submitter. Criteria: ACMG Guidelines, 2015. Collection method: curation. Allele origin: germline. Inheritance: Autosomal recessive inheritance.
Comment: The p.Asp84fs variant in SELENON has been reported in at least 1 individual, in a homozygous state, with SELENON-RM (PMID: 32796131, 34838582) and has been identified in 0.003% (1/30602) of South Asian chromosomes by the Genome Aggregation Database (gnomAD; dbSNP ID: rs765917781). Although this variant has been seen in the general population in a heterozygous state, its frequency is low enough to be consistent with a recessive carrier frequency. This variant has also been reported in ClinVar (Variation ID#: 523931) and has been interpreted as pathogenic by Invitae and GeneDx. This variant is predicted to cause a frameshift, which alters the protein‚Äôs amino acid sequence beginning at position 84 and leads to a premature termination codon 17 amino acids downstream. This alteration is then predicted to lead to a truncated or absent protein. Loss of function of the SELENON gene is an established disease mechanism in autosomal recessive SELENON-RM. In summary, this variant meets criteria to be classified as pathogenic for autosomal recessive SELENON-RM. ACMG/AMP Criteria applied: PVS1, PM2_supporting, PM3_supporting (Richards 2015).

GeneDx
Classification: Pathogenic. Last evaluated: 2022-09-14. Review status: criteria provided, single submitter. Criteria: GeneDx Variant Classification Process June 2021. Collection method: clinical testing. Allele origin: germline. Affected: yes.
Comment: Observed in association with SEPN1-related myopathy in published literature (Villar-Quiles 2020; Ganapathy et al., 2019); Not observed at a significant frequency in large population cohorts (gnomAD); Frameshift variant predicted to result in protein truncation or nonsense mediated decay in a gene for which loss-of-function is a known mechanism of disease; This variant is associated with the following publications: (PMID: 31069529, 21670436, 34838582, 32796131, 21131290)

Neuberg Centre For Genomic Medicine, NCGM
Classification: Pathogenic for Eichsfeld type congenital muscular dystrophy. Review status: criteria provided, single submitter. Criteria: ACMG Guidelines, 2015. Collection method: clinical testing. Allele origin: germline. Inheritance: Autosomal recessive inheritance. Affected: yes.
Comment: The frameshift variant c.249_250dup (p.Asp84GlyfsTer17) in SELENON gene has been reported previously in homozygous state in a patient affected with congenital myopathy . The p.Asp84GlyfsTer17 variant has allele frequency 0.0004% in gnomAD Exomes and is novel (not in any individuals) in 1000 Genomes. This variant has been reported to the ClinVar database as Pathogenic. This variant is predicted to cause loss of normal protein function through protein truncation. Loss of function variants have been previously reported to be disease causing (Castets P et al.). For these reasons, this variant has been classified as Pathogenic.

Literature cited by the submitters: PubMed 21131290 (cited by Labcorp Genetics (formerly Invitae), Labcorp); PubMed 21670436 (cited by Labcorp Genetics (formerly Invitae), Labcorp); PubMed 32796131 (cited by Labcorp Genetics (formerly Invitae), Labcorp).

NM_206926.2(SELENON):c.249_250dup (p.Asp84fs)

Gene: SELENON (selenoprotein N; plus strand). Cytogenetic location: 1p36.11.
Variant type: Duplication.
Coding change: c.249_250dup on transcript NM_206926.2 (MANE Select); coding-DNA positions 249 to 250, 2 bases duplicated (GG; older notation c.249_250dupGG).
Protein change: p.Asp84fs; shifts the reading frame from aspartic acid 84.
Molecular consequence: frameshift variant.
Genome position (GRCh38, 1-based): chr1:25,801,108-25,801,109, GG duplicated; duplicating any 2 consecutive bases within chr1:25,801,106-25,801,109 gives the same sequence; the c. name uses the placement nearest the transcript's 3' end. VCF-style (leftmost placement, unchanged base first): chr1-25801105-C-CGG. GRCh37 (hg19) VCF-style: chr1-26127596-C-CGG.
Other names: NM_020451.3(SELENON):c.249_250dup; p.Asp84fs; c.249_250dup, p.Asp84fs (NM_020451.3); c.249_250dupGG (NM_020451.2); short protein forms D84fs.
Identifiers: ClinVar variation 523931 (VCV000523931.15), dbSNP rs1553198611, ClinGen allele CA521735417.